The following is an entry in ClinVar:

ClinVar aggregate classification (germline): Likely benign (1 of 4 stars; one submission).

Allele frequency attached by ClinVar (database versions not stated): 1000 Genomes Project 30x 0.00031; ESP Exome Variant Server 0.00039; 1000 Genomes Project 0.00040; gnomAD 0.00047; TOPMed 0.00057; ExAC 0.00084.

Submission:

CeGaT Center for Human Genetics Tuebingen
Classification: Likely benign. Last evaluated: 2022-09-01. Review status: criteria provided, single submitter. Criteria: CeGaT Center For Human Genetics Tuebingen Variant Classification Criteria Version 2. Collection method: clinical testing. Allele origin: germline. Affected: yes. Observed: 1 variant allele.
Comment: RASSF7: BP4, BP7

NM_003475.4(RASSF7):c.426G>A (p.Ala142=)

Gene: RASSF7 (Ras association domain family member 7; plus strand). Cytogenetic location: 11p15.5.
Variant type: single nucleotide variant.
Coding change: c.426G>A on transcript NM_003475.4 (MANE Select); coding-DNA position 426, G replaced by A.
Protein change: p.Ala142=; no amino-acid change (alanine 142 retained).
Molecular consequence: synonymous variant.
Genome position (GRCh38, 1-based): chr11:562,380, G>A. VCF-style: chr11-562380-G-A. GRCh37 (hg19) VCF-style: chr11-562380-G-A.
Other names: c.426G>A, p.Ala142= (NM_001143993.2, NM_001143994.2).
Identifiers: ClinVar variation 2641074 (VCV002641074.24), dbSNP rs146029107, ClinGen allele CA5781298.